The following is an entry in ClinVar:

NM_000465.4(BARD1):c.1570A>G (p.Asn524Asp)

Gene: BARD1 (BRCA1 associated RING domain 1; minus strand). Cytogenetic location: 2q35.
Variant type: single nucleotide variant.
Coding change: c.1570A>G on transcript NM_000465.4 (MANE Select); coding-DNA position 1570, A replaced by G.
Protein change: p.Asn524Asp; replaces asparagine 524 with aspartic acid.
Molecular consequence: missense variant. On other transcripts: non-coding transcript variant (3), intron variant (1).
Genome position (GRCh38, 1-based): chr2:214,752,554, T>C on the plus strand (A>G on the coding strand, the complement: BARD1 is on the minus strand). VCF-style: chr2-214752554-T-C. GRCh37 (hg19) VCF-style: chr2-215617278-T-C.
Other names: c.1513A>G, p.Asn505Asp (NM_001282543.2); c.217A>G, p.Asn73Asp (NM_001282545.2); c.160A>G, p.Asn54Asp (NM_001282548.2); c.365-22046A>G (NM_001282549.2); c.1570A>G (NM_000465.2); short protein forms N524D, N54D, N73D, N505D.
Identifiers: ClinVar variation 2707535 (VCV002707535.4), dbSNP rs2469379284, ClinGen allele CA350455065.

ClinVar aggregate classification (germline): Uncertain significance. Review status: criteria provided, multiple submitters, no conflicts (2 of 4 stars). 2 submissions from 2 submitters: Uncertain significance (2). Last evaluated 2026-08-24.

Conditions:
Familial cancer of breast. Also called: BREAST CANCER, FAMILIAL; hereditary breast carcinoma; Hereditary breast cancer. Identifiers: Orphanet 227535, MedGen C0346153, MONDO:0016419, OMIM 114480. Disease mechanism: loss of function.
Hereditary cancer-predisposing syndrome. Also called: Hereditary neoplastic syndrome; Hereditary Cancer Syndrome; Neoplastic Syndromes, Hereditary; Tumor predisposition. Identifiers: Orphanet 140162, MedGen C0027672, MeSH D009386, MONDO:0015356.

Submissions (2):

Ambry Genetics
Classification: Uncertain significance for Hereditary cancer-predisposing syndrome. Last evaluated: 2026-08-24. Review status: criteria provided, single submitter. Criteria: Ambry Variant Classification Scheme 2023. Collection method: clinical testing. Allele origin: germline.
Comment: The p.N524D variant (also known as c.1570A>G), located in coding exon 7 of the BARD1 gene, results from an A to G substitution at nucleotide position 1570. The asparagine at codon 524 is replaced by aspartic acid, an amino acid with highly similar properties. This amino acid position is highly conserved in available vertebrate species. In addition, the in silico prediction for this alteration is inconclusive. Based on the available evidence, the clinical significance of this variant remains unclear.

Labcorp Genetics (formerly Invitae), Labcorp
Classification: Uncertain significance for Familial cancer of breast. Last evaluated: 2023-01-21. Review status: criteria provided, single submitter. Criteria: Invitae Variant Classification Sherloc (09022015). Collection method: clinical testing. Allele origin: germline.
Comment: In summary, the available evidence is currently insufficient to determine the role of this variant in disease. Therefore, it has been classified as a Variant of Uncertain Significance. Algorithms developed to predict the effect of missense changes on protein structure and function are either unavailable or do not agree on the potential impact of this missense change (SIFT: "Deleterious"; PolyPhen-2: "Probably Damaging"; Align-GVGD: "Class C15"). This variant has not been reported in the literature in individuals affected with BARD1-related conditions. This variant is not present in population databases (gnomAD no frequency). This sequence change replaces asparagine, which is neutral and polar, with aspartic acid, which is acidic and polar, at codon 524 of the BARD1 protein (p.Asn524Asp).